The following is an entry in ClinVar:

NM_001029.5(RPS26):c.328C>T (p.Pro110Ser)

Gene: RPS26 (ribosomal protein S26; plus strand). Cytogenetic location: 12q13.2.
Variant type: single nucleotide variant.
Coding change: c.328C>T on transcript NM_001029.5 (MANE Select); coding-DNA position 328, C replaced by T.
Protein change: p.Pro110Ser; replaces proline 110 with serine.
Molecular consequence: missense variant.
Genome position (GRCh38, 1-based): chr12:56,044,134, C>T. VCF-style: chr12-56044134-C-T. GRCh37 (hg19) VCF-style: chr12-56437918-C-T.
Other names: short protein forms P110S.
Identifiers: ClinVar variation 1901130 (VCV001901130.5), dbSNP rs758315355, ClinGen allele CA385327693.

ClinVar aggregate classification (germline): Uncertain significance (1 of 4 stars; one submission).

Conditions:
Diamond-Blackfan anemia 10 (DBA10). Also called: RPS26-Related Diamond-Blackfan Anemia. Identifiers: Orphanet 124, MedGen C2750080, MONDO:0013217, OMIM 613309.

Submission:

Labcorp Genetics (formerly Invitae), Labcorp
Classification: Uncertain significance for Diamond-Blackfan anemia 10. Last evaluated: 2022-03-22. Review status: criteria provided, single submitter. Criteria: Invitae Variant Classification Sherloc (09022015). Collection method: clinical testing. Allele origin: germline.
Comment: This sequence change replaces proline, which is neutral and non-polar, with serine, which is neutral and polar, at codon 110 of the RPS26 protein (p.Pro110Ser). This variant is not present in population databases (gnomAD no frequency). This variant has not been reported in the literature in individuals affected with RPS26-related conditions. Algorithms developed to predict the effect of missense changes on protein structure and function are either unavailable or do not agree on the potential impact of this missense change (SIFT: "Tolerated"; PolyPhen-2: "Not Available"; Align-GVGD: "Class C0"). In summary, the available evidence is currently insufficient to determine the role of this variant in disease. Therefore, it has been classified as a Variant of Uncertain Significance.